The following is an entry in ClinVar:

NM_002734.5(PRKAR1A):c.*1606A>G

Gene: PRKAR1A (protein kinase cAMP-dependent type I regulatory subunit alpha; plus strand). Cytogenetic location: 17q24.2.
Variant type: single nucleotide variant.
Coding change: c.*1606A>G on transcript NM_002734.5 (MANE Select); 1606 bases downstream of the stop codon, A replaced by G.
Molecular consequence: 3 prime UTR variant. On other transcripts: intron variant (1).
Genome position (GRCh38, 1-based): chr17:68,532,055, A>G. VCF-style: chr17-68532055-A-G. GRCh37 (hg19) VCF-style: chr17-66528196-A-G.
Other names: c.*1606A>G (NM_001276289.2, NM_001278433.2, NM_001369389.1 and 3 more transcripts); c.973+2054A>G (NM_001276290.1).
Identifiers: ClinVar variation 324810 (VCV000324810.5), dbSNP rs144632545, ClinGen allele CA10649944.
Genomic context (GRCh38, chr17:68,532,055, plus strand): 5'-TAAATTGGTCATGGTAGATTTTTTTCATAGATTTGAAAAACTTTTAGGTTGTTACCAAGT[A>G]TGAAGTATAAATCTGGGGAAGAGGTTTTATTTACATTTTAGGGTGGGTAAGAAAGCCACC-3'

ClinVar aggregate classification (germline): Benign. Review status: criteria provided, single submitter (1 of 4 stars). 2 submissions from 1 submitter: Benign (2). Last evaluated 2018-01-12.

Conditions:
Acrodysostosis 1 with or without hormone resistance (ACRDYS1). Also called: ACRODYSOSTOSIS WITH HORMONE RESISTANCE; ACRODYSOSTOSIS 1 WITH HORMONE RESISTANCE; ACRODYSOSTOSIS 1 WITHOUT HORMONE RESISTANCE. Identifiers: Orphanet 280651, MedGen C3276228, MONDO:0007044, OMIM 101800.
Carney complex, type 1 (CNC1). Also called: CARNEY COMPLEX, TYPE I; CARNEY MYXOMA-ENDOCRINE COMPLEX. Identifiers: Orphanet 1359, MedGen C2607929, MONDO:0008057, OMIM 160980.

Allele frequency attached by ClinVar (database versions not stated): TOPMed 0.00012; gnomAD 0.00013; 1000 Genomes Project 0.00040; 1000 Genomes Project 30x 0.00047.
gnomAD v4.1: 28 of 1,065,386 alleles (0.0026%); highest among the groups gnomAD compares: East Asian, 0.14%; no homozygotes.

Submissions (2):

Illumina Laboratory Services, Illumina
Classification: Benign for Acrodysostosis 1 with or without hormone resistance. Last evaluated: 2018-01-12. Review status: criteria provided, single submitter. Criteria: ICSL Variant Classification Criteria 13 December 2019. Collection method: clinical testing. Allele origin: germline.
Comment: This variant was observed in the ICSL laboratory as part of a predisposition screen in an ostensibly healthy population. It had not been previously curated by ICSL or reported in the Human Gene Mutation Database (HGMD: prior to June 1st, 2018), and was therefore a candidate for classification through an automated scoring system. Utilizing variant allele frequency, disease prevalence and penetrance estimates, and inheritance mode, an automated score was calculated to assess if this variant is too frequent to cause the disease. Based on the score and internal cut-off values, a variant classified as benign is not then subjected to further curation. The score for this variant resulted in a classification of benign for this disease.

Illumina Laboratory Services, Illumina
Classification: Benign for Carney complex, type 1. Last evaluated: 2018-01-12. Review status: criteria provided, single submitter. Criteria: ICSL Variant Classification Criteria 13 December 2019. Collection method: clinical testing. Allele origin: germline.
Comment: the same text as in the submission from Illumina Laboratory Services, Illumina above.